The following is an entry in ClinVar:

ClinVar aggregate classification (germline): Pathogenic. Review status: reviewed by expert panel (3 of 4 stars). 3 submissions from 3 submitters: Pathogenic (1). 2 of the submissions do not count toward it. Last evaluated 2020-09-06.

Conditions:
Glanzmann thrombasthenia. Also called: Thrombasthenia; THROMBASTHENIA OF GLANZMANN AND NAEGELI; Glanzmann's thrombasthenia; PLATELET GLYCOPROTEIN IIb-IIIa DEFICIENCY. Identifiers: Orphanet 849, MedGen C0040015, MONDO:0100326.
Glanzmann thrombasthenia 1 (GT1). Also called: BLEEDING DISORDER, PLATELET-TYPE, 2; GP IIb-IIIa COMPLEX DEFICIENCY; GLYCOPROTEIN COMPLEX IIb-IIIa DEFICIENCY; PLATELET FIBRINOGEN RECEPTOR DEFICIENCY. Identifiers: MedGen CN300358, MONDO:0031332, OMIM 273800.

Allele frequency attached by ClinVar (database versions not stated): ExAC 0.00001; gnomAD exomes below 0.00001 and 0.00001; TOPMed 0.00001; gnomAD 0.00001.
gnomAD v4.1: 5 of 1,613,360 alleles (0.00031%); highest among the groups gnomAD compares: Non-Finnish European, 0.00042%; no homozygotes.

Submissions (3):

ClinGen Platelet Disorders Variant Curation Expert Panel, ClinGen
Classification: Pathogenic for Glanzmann thrombasthenia. Last evaluated: 2020-09-06. Review status: reviewed by expert panel. Criteria: ClinGen Platelet ACMG Specifications v2. Collection method: curation. Allele origin: germline. Inheritance: Autosomal recessive inheritance.
Comment: The c.2113T>C (p.Cys705Arg) variant has been reported in at least 7 probands (3 homozygotes and 4 compound heterozygotes; PMIDs: 20020534, 12424194, 12083483, 25728920, 25539746, 9920835); at least two with a phenotype highly specific to GT (PMIDs: 9920835, 25539746). The variant cosegregated with disease in one of these probands and two additional relatives (PMID: 12424194). The variant is found at an extremely low frequency, with an the overall allele frequency on gnomAD is 0.000003977 (1/113,742 alleles in the non-Finnish European population). Multiple lines of computational evidence support a deleterious effect on the gene/gene product (REVEL score of 0.878). Expression in CHO cells was strongly attenuated, shown by immunoprecipitation and flow cytometry (~70% reduction), in cells coexpressing normal GPIIIa with the mutant GPIIb. In summary, this variant meets criteria to be classified as Pathogenic for GT. GT-specific criteria applied: PM2_Supporting, PM3_Strong, PP1_Moderate, PP3, and PP4_Strong.

Dasa
Classification: Pathogenic. Last evaluated: 2025-06-10. Review status: criteria provided, single submitter. Criteria: DASA Assertion Criteria. Collection method: clinical testing. Allele origin: germline. Not counted in ClinVar's aggregate classification.
Comment: NM_000419.5(ITGA2B):c.2113T>C (p.Cys705Arg) is a missense variant that results in the substitution of cysteine with arginine. Segregation data support an association with disease in the reported family/families. This variant has been observed in affected individuals with ITGA2B-related disorders. Also, this variant is rare in population databases. Based on the currently available evidence, this variant is classified as pathogenic.

ISTH-SSC Genomics in Thrombosis and Hemostasis, KU Leuven, Center for Molecular and Vascular Biology
Classification: Pathogenic for Glanzmann thrombasthenia 1. Review status: no assertion criteria provided. Collection method: research. Allele origin: germline. Affected: yes. Not counted in ClinVar's aggregate classification.
Comment: Submitted to GoldVariant by Jose María Bastida from Grupo Español de Alteraciones Plaquetarias Congénitas (GEAPC), Salamanca, Spain

Literature cited by the submitters: PubMed 25539746 (cited by ClinGen Platelet Disorders Variant Curation Expert Panel, ClinGen); PubMed 9920835 (cited by ClinGen Platelet Disorders Variant Curation Expert Panel, ClinGen); PubMed 12083483 (cited by ClinGen Platelet Disorders Variant Curation Expert Panel, ClinGen); PubMed 20020534 (cited by ClinGen Platelet Disorders Variant Curation Expert Panel, ClinGen); PubMed 25728920 (cited by ClinGen Platelet Disorders Variant Curation Expert Panel, ClinGen); PubMed 12424194 (cited by ClinGen Platelet Disorders Variant Curation Expert Panel, ClinGen).

NM_000419.5(ITGA2B):c.2113T>C (p.Cys705Arg)

Gene: ITGA2B (integrin subunit alpha 2b; minus strand). Cytogenetic location: 17q21.31.
Variant type: single nucleotide variant.
Coding change: c.2113T>C on transcript NM_000419.5 (MANE Select); coding-DNA position 2113, T replaced by C.
Protein change: p.Cys705Arg; replaces cysteine 705 with arginine.
Molecular consequence: missense variant.
Genome position (GRCh38, 1-based): chr17:44,377,772, A>G on the plus strand (T>C on the coding strand, the complement: ITGA2B is on the minus strand). VCF-style: chr17-44377772-A-G. GRCh37 (hg19) VCF-style: chr17-42455140-A-G.
Other names: short protein forms C705R.
Identifiers: ClinVar variation 953058 (VCV000953058.6), dbSNP rs77961246, ClinGen allele CA8602816.